The following is an entry in ClinVar:

NM_001130144.3(LTBP3):c.3413G>A (p.Cys1138Tyr)

Gene: LTBP3 (latent transforming growth factor beta binding protein 3; minus strand). Cytogenetic location: 11q13.1.
Variant type: single nucleotide variant.
Coding change: c.3413G>A on transcript NM_001130144.3 (MANE Select); coding-DNA position 3413, G replaced by A.
Protein change: p.Cys1138Tyr; replaces cysteine 1138 with tyrosine.
Molecular consequence: missense variant.
Genome position (GRCh38, 1-based): chr11:65,539,854, C>T on the plus strand (G>A on the coding strand, the complement: LTBP3 is on the minus strand). VCF-style: chr11-65539854-C-T. GRCh37 (hg19) VCF-style: chr11-65307325-C-T.
Other names: c.2921G>A, p.Cys974Tyr (NM_001164266.1); c.3272G>A, p.Cys1091Tyr (NM_021070.4); short protein forms C974Y, C1091Y, C1138Y.
Identifiers: ClinVar variation 3868983 (VCV003868983.1).

ClinVar aggregate classification (germline): Uncertain significance (1 of 4 stars; one submission).

Conditions:
Inborn genetic diseases. Identifiers: MedGen C0950123, MeSH D030342.

Submission:

Ambry Genetics
Classification: Uncertain significance for Inborn genetic diseases. Last evaluated: 2025-02-27. Review status: criteria provided, single submitter. Criteria: Ambry Variant Classification Scheme 2023. Collection method: clinical testing. Allele origin: germline.
Comment: The p.C1138Y variant (also known as c.3413G>A), located in coding exon 25 of the LTBP3 gene, results from a G to A substitution at nucleotide position 3413. The cysteine at codon 1138 is replaced by tyrosine, an amino acid with highly dissimilar properties. This amino acid position is conserved. In addition, this alteration is predicted to be deleterious by in silico analysis. Based on the available evidence, the clinical significance of this variant remains unclear.